The following is an entry in ClinVar:

NM_000359.3(TGM1):c.365C>A (p.Ser122Ter)

Gene: TGM1 (transglutaminase 1; minus strand). Cytogenetic location: 14q12.
Variant type: single nucleotide variant.
Coding change: c.365C>A on transcript NM_000359.3 (MANE Select); coding-DNA position 365, C replaced by A.
Protein change: p.Ser122Ter; replaces serine 122 with a stop codon.
Molecular consequence: nonsense.
Genome position (GRCh38, 1-based): chr14:24,261,838, G>T on the plus strand (C>A on the coding strand, the complement: TGM1 is on the minus strand). VCF-style: chr14-24261838-G-T. GRCh37 (hg19) VCF-style: chr14-24731044-G-T.
Other names: short protein forms S122*.
Identifiers: ClinVar variation 2434143 (VCV002434143.4), dbSNP rs141486741, ClinGen allele CA389278633.
Genomic context (GRCh38, chr14:24,261,838, plus strand): 5'-CGCACTATCAGCTCGTCGTACTCATACTCGTCTGTGTGGTGCTCTCGGCGGTTCTGGTCC[G>T]AGCGCGAGCTCAGCAAGTCCACACCGTTCACTACTAGCATGCCCTCTGCAAGGACACAGC-3'

ClinVar aggregate classification (germline): Pathogenic/Likely pathogenic. Review status: criteria provided, multiple submitters, no conflicts (2 of 4 stars). 2 submissions from 2 submitters: Pathogenic (1); Likely pathogenic (1). Last evaluated 2023-12-31.

Conditions:
Autosomal recessive congenital ichthyosis 1 (LI1). Also called: COLLODION FETUS; DESQUAMATION OF NEWBORN; ICHTHYOSIS CONGENITA; ICHTHYOSIS CONGENITA II; LAMELLAR EXFOLIATION OF NEWBORN; ICHTHYOSIS, CONGENITAL, AUTOSOMAL RECESSIVE 1, WITH BATHING SUIT DISTRIBUTION. Identifiers: MedGen C4551630, MONDO:0009441, OMIM 242300.

Submissions (2):

Myriad Genetics, Inc.
Classification: Pathogenic for Autosomal recessive congenital ichthyosis 1. Last evaluated: 2023-12-31. Review status: criteria provided, single submitter. Criteria: Myriad Autosomal Dominant, Autosomal Recessive and X-Linked Classification Criteria (2023). Collection method: clinical testing. Allele origin: unknown.
Comment: NM_000359.2(TGM1):c.365C>A(S122*) is expected to be pathogenic in the context of TGM1-related autosomal recessive congenital ichthyosis. This variant is predicted to lead to an abnormal or absent protein product due to the creation of a premature termination codon in TGM1, a gene where loss-of-function variants are known to be pathogenic. Please note: this variant was assessed in the context of healthy population screening.

Revvity Omics, Revvity
Classification: Likely pathogenic for Autosomal recessive congenital ichthyosis 1. Last evaluated: 2022-05-19. Review status: criteria provided, single submitter. Criteria: ACMG Guidelines, 2015. Collection method: clinical testing. Allele origin: germline.